The following is an entry in ClinVar:

NM_000037.4(ANK1):c.5108G>A (p.Trp1703Ter)

Gene: ANK1 (ankyrin 1; minus strand). Cytogenetic location: 8p11.21.
Variant type: single nucleotide variant.
Coding change: c.5108G>A on transcript NM_000037.4 (MANE Select); coding-DNA position 5108, G replaced by A.
Protein change: p.Trp1703Ter; replaces tryptophan 1703 with a stop codon.
Molecular consequence: nonsense.
Genome position (GRCh38, 1-based): chr8:41,668,553, C>T on the plus strand (G>A on the coding strand, the complement: ANK1 is on the minus strand). VCF-style: chr8-41668553-C-T. GRCh37 (hg19) VCF-style: chr8-41526071-C-T.
Other names: c.5231G>A, p.Trp1744Ter (NM_001142446.2); c.5108G>A, p.Trp1703Ter (NM_020475.3, NM_020476.3); c.4622G>A, p.Trp1541Ter (NM_020477.3); short protein forms W1541*, W1703*, W1744*.
Identifiers: ClinVar variation 1333460 (VCV001333460.3), dbSNP rs2150556792, ClinGen allele CA371052255.

ClinVar aggregate classification (germline): Pathogenic/Likely pathogenic. Review status: criteria provided, multiple submitters, no conflicts (2 of 4 stars). 2 submissions from 2 submitters: Pathogenic (1); Likely pathogenic (1). Last evaluated 2024-07-22.

Conditions:
Hereditary spherocytosis type 1. Also called: Spherocytosis type 1; ANK1-Related Spherocytosis. Identifiers: Orphanet 822, MedGen C2674218, MONDO:0008447, OMIM 182900.

gnomAD v4.1: 1 of 1,612,636 alleles (0.000062%); highest among the groups gnomAD compares: Non-Finnish European, 0.000085%; no homozygotes.

Submissions (2):

Labcorp Genetics (formerly Invitae), Labcorp
Classification: Pathogenic. Last evaluated: 2024-07-22. Review status: criteria provided, single submitter. Criteria: Invitae Variant Classification Sherloc (09022015). Collection method: clinical testing. Allele origin: germline.
Comment: This sequence change creates a premature translational stop signal (p.Trp1703*) in the ANK1 gene. It is expected to result in an absent or disrupted protein product. Loss-of-function variants in ANK1 are known to be pathogenic (PMID: 8640229). This variant is not present in population databases (gnomAD no frequency). This variant has not been reported in the literature in individuals affected with ANK1-related conditions. ClinVar contains an entry for this variant (Variation ID: 1333460). For these reasons, this variant has been classified as Pathogenic.

3billion
Classification: Likely pathogenic for Hereditary spherocytosis type 1. Last evaluated: 2022-01-03. Review status: criteria provided, single submitter. Criteria: ACMG Guidelines, 2015. Collection method: clinical testing. Allele origin: germline. Affected: yes. Observed: 1 heterozygote.
Comment: Stop-gained (nonsense): predicted to result in a loss or disruption of normal protein function through nonsense-mediated decay (NMD) or protein truncation. Multiple pathogenic variants are reported downstream of the variant (PVS1_VS). It is not observed in the gnomAD v2.1.1 dataset (PM2_M). Therefore, this variant is classified as likely pathogenic according to the recommendation of ACMG/AMP guideline.

Literature cited by the submitters: PubMed 8640229 (cited by Labcorp Genetics (formerly Invitae), Labcorp).